The following is an entry in ClinVar:

ClinVar aggregate classification (germline): Uncertain significance (1 of 4 stars; one submission).

Submission:

Women's Health and Genetics/Laboratory Corporation of America, LabCorp
Classification: Uncertain significance. Last evaluated: 2024-10-07. Review status: criteria provided, single submitter. Criteria: LabCorp Variant Classification Summary - May 2015. Collection method: clinical testing. Allele origin: germline.
Comment: Variant summary: FLNA c.769G>A (p.Val257Ile) results in a conservative amino acid change located in the Calponin homology domain (IPR001715) of the encoded protein sequence. Three of five in-silico tools predict a damaging effect of the variant on protein function. The variant was absent in 182390 control chromosomes. The available data on variant occurrences in the general population are insufficient to allow any conclusion about variant significance. To our knowledge, no occurrence of c.769G>A in individuals affected with Periventricular Nodular Heterotopia and no experimental evidence demonstrating its impact on protein function have been reported. No submitters have cited clinical-significance assessments for this variant to ClinVar. Based on the evidence outlined above, the variant was classified as uncertain significance.

NM_001110556.2(FLNA):c.769G>A (p.Val257Ile)

Gene: FLNA (filamin A; minus strand). Cytogenetic location: Xq28.
Variant type: single nucleotide variant.
Coding change: c.769G>A on transcript NM_001110556.2 (MANE Select); coding-DNA position 769, G replaced by A.
Protein change: p.Val257Ile; replaces valine 257 with isoleucine.
Molecular consequence: missense variant.
Genome position (GRCh38, 1-based): chrX:154,367,496, C>T on the plus strand (G>A on the coding strand, the complement: FLNA is on the minus strand). VCF-style: chrX-154367496-C-T. GRCh37 (hg19) VCF-style: chrX-153595864-C-T.
Other names: c.769G>A, p.Val257Ile (NM_001456.4); short protein forms V257I.
Identifiers: ClinVar variation 3384900 (VCV003384900.1).